The following is an entry in ClinVar:

ClinVar aggregate classification (germline): Uncertain significance (1 of 4 stars; one submission).

Conditions:
Hereditary spastic paraplegia 43. Also called: Spastic paraplegia 43, autosomal recessive. Identifiers: Orphanet 320370, MedGen C2680446, MONDO:0014024, OMIM 615043.

gnomAD v4.1: 9 of 1,614,040 alleles (0.00056%); highest among the groups gnomAD compares: African/African-American, 0.004%; no homozygotes.

Submission:

Labcorp Genetics (formerly Invitae), Labcorp
Classification: Uncertain significance for Hereditary spastic paraplegia 43. Last evaluated: 2025-01-27. Review status: criteria provided, single submitter. Criteria: Invitae Variant Classification Sherloc (09022015). Collection method: clinical testing. Allele origin: germline.
Comment: This sequence change replaces glutamic acid, which is acidic and polar, with lysine, which is basic and polar, at codon 102 of the C19orf12 protein (p.Glu102Lys). This variant is present in population databases (rs369822130, gnomAD 0.003%). This variant has not been reported in the literature in individuals affected with C19orf12-related conditions. An algorithm developed to predict the effect of missense changes on protein structure and function outputs the following: PolyPhen-2: "Benign". The lysine amino acid residue is found in multiple mammalian species, which suggests that this missense change does not adversely affect protein function. In summary, the available evidence is currently insufficient to determine the role of this variant in disease. Therefore, it has been classified as a Variant of Uncertain Significance.

NM_031448.6(C19orf12):c.271G>A (p.Glu91Lys)

Gene: C19orf12 (chromosome 19 open reading frame 12; minus strand). Cytogenetic location: 19q12.
Variant type: single nucleotide variant.
Coding change: c.271G>A on transcript NM_031448.6 (MANE Select); coding-DNA position 271, G replaced by A.
Protein change: p.Glu91Lys; replaces glutamic acid 91 with lysine.
Molecular consequence: missense variant.
Genome position (GRCh38, 1-based): chr19:29,702,867, C>T on the plus strand (G>A on the coding strand, the complement: C19orf12 is on the minus strand). VCF-style: chr19-29702867-C-T. GRCh37 (hg19) VCF-style: chr19-30193774-C-T.
Other names: c.271G>A, p.Glu91Lys (NM_001031726.4, NM_001256046.3, NM_001256047.2); c.79G>A, p.Glu27Lys (NM_001282929.1, NM_001282930.3, NM_001282931.3); short protein forms E27K, E91K.
Identifiers: ClinVar variation 3632984 (VCV003632984.2).
Genomic context (GRCh38, chr19:29,702,867, plus strand): 5'-CCAGCGCGGTCAGCTGCACGGCGTCCGTCCACTCCAGGTGCCTGATGATGGCTGCGGCTT[C>T]GTTAAAGAGCCTCTGTTGCTCGGCAGGGGGCAGCTCCATTAGGATCTGAGGAACCGGCTT-3'
Protein context (NP_113636.2, residues 81-101): PPAEQQRLFN[Glu91Lys]AAAIIRHLEW